The following is an entry in ClinVar:

NM_001277313.2(FMN1):c.1491G>A (p.Pro497=)

Gene: FMN1 (formin 1; minus strand). Cytogenetic location: 15q13.3.
Variant type: single nucleotide variant.
Coding change: c.1491G>A on transcript NM_001277313.2 (MANE Select); coding-DNA position 1491, G replaced by A.
Protein change: p.Pro497=; no amino-acid change (proline 497 retained).
Molecular consequence: synonymous variant.
Genome position (GRCh38, 1-based): chr15:33,153,424, C>T on the plus strand (G>A on the coding strand, the complement: FMN1 is on the minus strand). VCF-style: chr15-33153424-C-T. GRCh37 (hg19) VCF-style: chr15-33445625-C-T.
Other names: c.1491G>A, p.Pro497= (NM_001277314.2).
Identifiers: ClinVar variation 2712969 (VCV002712969.3), dbSNP rs755666287, ClinGen allele CA7457526.

ClinVar aggregate classification (germline): Uncertain significance (1 of 4 stars; one submission).

Allele frequency attached by ClinVar (database versions not stated): ExAC 0.00007; gnomAD 0.00009.
gnomAD v4.1: 342 of 1,536,600 alleles (0.022%); highest among the groups gnomAD compares: Non-Finnish European, 0.029%; no homozygotes.

Submission:

Labcorp Genetics (formerly Invitae), Labcorp
Classification: Uncertain significance. Last evaluated: 2023-08-02. Review status: criteria provided, single submitter. Criteria: Invitae Variant Classification Sherloc (09022015). Collection method: clinical testing. Allele origin: germline.
Comment: In summary, the available evidence is currently insufficient to determine the role of this variant in disease. Therefore, it has been classified as a Variant of Uncertain Significance. Experimental studies and prediction algorithms are not available or were not evaluated, and the effect of this variant on mRNA splicing is currently unknown. This variant has not been reported in the literature in individuals affected with FMN1-related conditions. This variant is present in population databases (rs755666287, gnomAD 0.02%). This sequence change affects codon 497 of the FMN1 mRNA. It is a 'silent' change, meaning that it does not change the encoded amino acid sequence of the FMN1 protein. The FMN1 gene has multiple clinically relevant transcripts. This variant occurs in alternate transcript NM_001277314.1, and corresponds to NM_001103184.3:c.-85540G>A in the primary transcript.